The following is an entry in ClinVar:

ClinVar aggregate classification (germline): Uncertain significance. Review status: criteria provided, multiple submitters, no conflicts (2 of 4 stars). 2 submissions from 2 submitters: Uncertain significance (2). Last evaluated 2025-03-27.

Conditions:
PLXNA2-related disorder. Also called: PLXNA2-related condition.

gnomAD v4.1: 6 of 1,613,940 alleles (0.00037%); highest among the groups gnomAD compares: Non-Finnish European, 0.00042%; no homozygotes.

Submissions (2):

PreventionGenetics, part of Exact Sciences
Classification: Uncertain significance for PLXNA2-related condition. Last evaluated: 2025-03-27. Review status: criteria provided, single submitter. Criteria: ACMG Guidelines, 2015. Collection method: clinical testing. Allele origin: germline.
Comment: The PLXNA2 c.152A>C variant is predicted to result in the amino acid substitution p.Asn51Thr. To our knowledge, this variant has not been reported in the literature or in a large population database (gnomAD), indicating this variant is rare. At this time, the clinical significance of this variant is uncertain due to the absence of conclusive functional and genetic evidence.

Ambry Genetics
Classification: Uncertain significance. Last evaluated: 2024-05-01. Review status: criteria provided, single submitter. Criteria: Ambry Variant Classification Scheme 2023. Collection method: clinical testing. Allele origin: germline.

NM_025179.4(PLXNA2):c.152A>C (p.Asn51Thr)

Gene: PLXNA2 (plexin A2; minus strand). Cytogenetic location: 1q32.2.
Variant type: single nucleotide variant.
Coding change: c.152A>C on transcript NM_025179.4 (MANE Select); coding-DNA position 152, A replaced by C.
Protein change: p.Asn51Thr; replaces asparagine 51 with threonine.
Molecular consequence: missense variant.
Genome position (GRCh38, 1-based): chr1:208,217,771, T>G on the plus strand (A>C on the coding strand, the complement: PLXNA2 is on the minus strand). VCF-style: chr1-208217771-T-G. GRCh37 (hg19) VCF-style: chr1-208391116-T-G.
Other names: short protein forms N51T.
Identifiers: ClinVar variation 3307909 (VCV003307909.2).